The following is an entry in ClinVar:

ClinVar aggregate classification (germline): Uncertain significance. Review status: criteria provided, multiple submitters, no conflicts (2 of 4 stars). 2 submissions from 2 submitters: Uncertain significance (2). Last evaluated 2025-06-23.

Conditions:
Inborn genetic diseases. Identifiers: MedGen C0950123, MeSH D030342.

gnomAD v4.1: 32 of 1,613,980 alleles (0.002%); highest among the groups gnomAD compares: Non-Finnish European, 0.0027%; no homozygotes.

Submissions (2):

GeneDx
Classification: Uncertain significance. Last evaluated: 2025-06-23. Review status: criteria provided, single submitter. Criteria: GeneDx Variant Classification Process June 2021. Collection method: clinical testing. Allele origin: germline. Affected: yes.
Comment: Not observed at significant frequency in large population cohorts (gnomAD); In silico analysis suggests that this missense variant does not alter protein structure/function; Has not been previously published as pathogenic or benign to our knowledge

Ambry Genetics
Classification: Uncertain significance for Inborn genetic diseases. Last evaluated: 2024-07-02. Review status: criteria provided, single submitter. Criteria: Ambry Variant Classification Scheme 2023. Collection method: clinical testing. Allele origin: germline.

NM_005529.7(HSPG2):c.10856G>C (p.Ser3619Thr)

Gene: HSPG2 (heparan sulfate proteoglycan 2; minus strand). Cytogenetic location: 1p36.12.
Variant type: single nucleotide variant.
Coding change: c.10856G>C on transcript NM_005529.7 (MANE Select); coding-DNA position 10856, G replaced by C.
Protein change: p.Ser3619Thr; replaces serine 3619 with threonine.
Molecular consequence: missense variant.
Genome position (GRCh38, 1-based): chr1:21,833,589, C>G on the plus strand (G>C on the coding strand, the complement: HSPG2 is on the minus strand). VCF-style: chr1-21833589-C-G. GRCh37 (hg19) VCF-style: chr1-22160082-C-G.
Other names: c.10859G>C, p.Ser3620Thr (NM_001291860.2); short protein forms S3619T, S3620T.
Identifiers: ClinVar variation 3526992 (VCV003526992.2).